The following is an entry in ClinVar:

ClinVar aggregate classification (germline): Likely benign (1 of 4 stars; one submission).

gnomAD v4.1: 17 of 1,614,188 alleles (0.0011%); highest among the groups gnomAD compares: Non-Finnish European, 0.0013%; no homozygotes.

Submission:

Mayo Clinic Laboratories, Mayo Clinic
Classification: Likely benign. Last evaluated: 2025-07-02. Review status: criteria provided, single submitter. Criteria: ACMG Guidelines, 2015. Collection method: clinical testing. Allele origin: germline. Observed: 1 variant allele.
Comment: BP4, BP7, PM2_supporting

NM_001355436.2(SPTB):c.423C>T (p.Gly141=)

Gene: SPTB (spectrin beta, erythrocytic; minus strand). Cytogenetic location: 14q23.3.
Variant type: single nucleotide variant.
Coding change: c.423C>T on transcript NM_001355436.2 (MANE Select); coding-DNA position 423, C replaced by T.
Protein change: p.Gly141=; no amino-acid change (glycine 141 retained).
Molecular consequence: synonymous variant.
Genome position (GRCh38, 1-based): chr14:64,803,658, G>A on the plus strand (C>T on the coding strand, the complement: SPTB is on the minus strand). VCF-style: chr14-64803658-G-A. GRCh37 (hg19) VCF-style: chr14-65270376-G-A.
Other names: p.Gly141=; c.423C>T, p.Gly141= (NM_001355437.2, NM_001024858.4).
Identifiers: ClinVar variation 4683885 (VCV004683885.1).